The following is an entry in ClinVar:

NM_002755.4(MAP2K1):c.568+14023A>C

Gene: MAP2K1 (mitogen-activated protein kinase kinase 1; plus strand). Cytogenetic location: 15q22.31.
Variant type: single nucleotide variant.
Coding change: c.568+14023A>C on transcript NM_002755.4 (MANE Select); 14023 bases into the intron after coding-DNA position 568, A replaced by C.
Molecular consequence: intron variant.
Genome position (GRCh38, 1-based): chr15:66,458,730, A>C. VCF-style: chr15-66458730-A-C. GRCh37 (hg19) VCF-style: chr15-66751068-A-C.
Other names: c.424+14023A>C (NM_001411065.1).
Identifiers: ClinVar variation 4822483 (VCV004822483.4).

ClinVar aggregate classification (germline): Likely benign (1 of 4 stars; one submission).

gnomAD v4.1: 64 of 152,282 alleles (0.042%); highest among the groups gnomAD compares: South Asian, 1.2%; 1 homozygote.

Submission:

CeGaT Center for Human Genetics Tuebingen
Classification: Likely benign. Last evaluated: 2026-03-01. Review status: criteria provided, single submitter. Criteria: CeGaT Center For Human Genetics Tuebingen Variant Classification Criteria Version 2. Collection method: clinical testing. Allele origin: germline. Affected: yes. Observed: 1 variant allele.
Comment: MAP2K1: PP2, BS1